The following is an entry in ClinVar:

ClinVar aggregate classification (germline): Likely benign (0 of 4 stars; one submission).

Conditions:
GMPPB-related disorder. Also called: GMPPB-related condition; GMPPB-related disorders.

Submission:

PreventionGenetics, part of Exact Sciences
Classification: Likely benign for GMPPB-related condition. Last evaluated: 2023-11-07. Review status: no assertion criteria provided. Collection method: clinical testing. Allele origin: germline.
Comment: This variant is classified as likely benign based on ACMG/AMP sequence variant interpretation guidelines (Richards et al. 2015 PMID: 25741868, with internal and published modifications).

NM_021971.4(GMPPB):c.729G>C (p.Arg243=)

Gene: GMPPB (GDP-mannose pyrophosphorylase B; minus strand). Cytogenetic location: 3p21.31.
Variant type: single nucleotide variant.
Coding change: c.729G>C on transcript NM_021971.4 (MANE Select); coding-DNA position 729, G replaced by C.
Protein change: p.Arg243=; no amino-acid change (arginine 243 retained).
Molecular consequence: synonymous variant.
Genome position (GRCh38, 1-based): chr3:49,722,270, C>G on the plus strand (G>C on the coding strand, the complement: GMPPB is on the minus strand). VCF-style: chr3-49722270-C-G. GRCh37 (hg19) VCF-style: chr3-49759703-C-G.
Other names: c.729G>C, p.Arg243= (NM_013334.4).
Identifiers: ClinVar variation 3036744 (VCV003036744.2), dbSNP rs370448223, ClinGen allele CA433850748.
Genomic context (GRCh38, chr3:49,722,270, plus strand): 5'-TGGGCTGGGCAAGGGCCTCACCACCAGCACGTTGCCCACAATGCCAGGGCCTGAGCACAG[C>G]CGCTCAGGCTGCTTCTGCCTCAGTGACTGCAGGAAGAGGCACATGCCAGTGAGGAAGTCC-3'
Protein context (NP_068806.2, residues 233-253): LQSLRQKQPE[Arg243=]LCSGPGIVGN